The following is an entry in ClinVar:

NM_213599.3(ANO5):c.293C>T (p.Ala98Val)

Gene: ANO5 (anoctamin 5; plus strand). Cytogenetic location: 11p14.3.
Variant type: single nucleotide variant.
Coding change: c.293C>T on transcript NM_213599.3 (MANE Select); coding-DNA position 293, C replaced by T.
Protein change: p.Ala98Val; replaces alanine 98 with valine.
Molecular consequence: missense variant.
Genome position (GRCh38, 1-based): chr11:22,221,209, C>T. VCF-style: chr11-22221209-C-T. GRCh37 (hg19) VCF-style: chr11-22242755-C-T.
Other names: c.293C>T (NM_213599.2); c.290C>T, p.Ala97Val (NM_001142649.2); short protein forms A98V, A97V.
Identifiers: ClinVar variation 1357613 (VCV001357613.10), dbSNP rs201776515, ClinGen allele CA5922856.

ClinVar aggregate classification (germline): Uncertain significance. Review status: criteria provided, multiple submitters, no conflicts (2 of 4 stars). 2 submissions from 2 submitters: Uncertain significance (2). Last evaluated 2025-11-03.

Conditions:
Autosomal recessive limb-girdle muscular dystrophy type 2L (LGMDR12). Also called: Limb-girdle muscular dystrophy, type 2L; MUSCULAR DYSTROPHY, LIMB-GIRDLE, AUTOSOMAL RECESSIVE 12; Limb-Girdle Muscular Dystrophy R12 Anoctamin-5-Related (LGMD-R12). Identifiers: Orphanet 206549, MedGen C1969785, MONDO:0012652, OMIM 611307.
Gnathodiaphyseal dysplasia (GDD). Also called: GNATHODIAPHYSEAL SCLEROSIS; OSTEOGENESIS IMPERFECTA WITH UNUSUAL SKELETAL LESIONS. Identifiers: Orphanet 53697, MedGen C1833736, MONDO:0008151, OMIM 166260.

Allele frequency attached by ClinVar (database versions not stated): ExAC 0.00001; gnomAD exomes 0.00001; TOPMed 0.00001.

Submissions (2):

Labcorp Genetics (formerly Invitae), Labcorp
Classification: Uncertain significance for Autosomal recessive limb-girdle muscular dystrophy type 2L; Gnathodiaphyseal dysplasia. Last evaluated: 2025-11-03. Review status: criteria provided, single submitter. Criteria: Invitae Variant Classification Sherloc (09022015). Collection method: clinical testing. Allele origin: germline.
Comment: This sequence change replaces alanine, which is neutral and non-polar, with valine, which is neutral and non-polar, at codon 98 of the ANO5 protein (p.Ala98Val). This variant is present in population databases (rs201776515, gnomAD 0.007%). This variant has not been reported in the literature in individuals affected with ANO5-related conditions. ClinVar contains an entry for this variant (Variation ID: 1357613). An algorithm developed to predict the effect of missense changes on protein structure and function outputs the following: PolyPhen-2: "Benign". The valine amino acid residue is found in multiple mammalian species, which suggests that this missense change does not adversely affect protein function. In summary, the available evidence is currently insufficient to determine the role of this variant in disease. Therefore, it has been classified as a Variant of Uncertain Significance.

Revvity Omics, Revvity
Classification: Uncertain significance. Last evaluated: 2020-05-21. Review status: criteria provided, single submitter. Criteria: ACMG Guidelines, 2015. Collection method: clinical testing. Allele origin: germline.